The following is an entry in ClinVar:

NM_001083603.3(PTCH1):c.198+9G>C

Gene: PTCH1 (patched 1; minus strand). Cytogenetic location: 9q22.32.
Variant type: single nucleotide variant.
Coding change: c.198+9G>C on transcript NM_001083603.3 (MANE Plus Clinical); 9 bases into the intron after coding-DNA position 198, G replaced by C.
Molecular consequence: intron variant. On other transcripts: 5 prime UTR variant (2).
Genome position (GRCh38, 1-based): chr9:95,516,614, C>G on the plus strand (G>C on the coding strand, the complement: PTCH1 is on the minus strand). VCF-style: chr9-95516614-C-G. GRCh37 (hg19) VCF-style: chr9-98278896-C-G.
Other names: c.-143G>C (NM_001083602.3, NM_001354919.2).
Identifiers: ClinVar variation 3057936 (VCV003057936.2), dbSNP rs557859026, ClinGen allele CA5139084.

ClinVar aggregate classification (germline): Likely benign (0 of 4 stars; one submission).

Conditions:
PTCH1-related disorder. Also called: PTCH1-related disorders; PTCH1-related condition.

gnomAD v4.1: 11 of 1,606,828 alleles (0.00068%); highest among the groups gnomAD compares: Middle Eastern, 0.017%; no homozygotes.

Submission:

PreventionGenetics, part of Exact Sciences
Classification: Likely benign for PTCH1-related condition. Last evaluated: 2019-03-04. Review status: no assertion criteria provided. Collection method: clinical testing. Allele origin: germline.
Comment: This variant is classified as likely benign based on ACMG/AMP sequence variant interpretation guidelines (Richards et al. 2015 PMID: 25741868, with internal and published modifications).